The following is an entry in ClinVar:

NM_033004.4(NLRP1):c.392G>A (p.Gly131Asp)

Gene: NLRP1 (NLR family pyrin domain containing 1; minus strand). Cytogenetic location: 17p13.2.
Variant type: single nucleotide variant.
Coding change: c.392G>A on transcript NM_033004.4 (MANE Select); coding-DNA position 392, G replaced by A.
Protein change: p.Gly131Asp; replaces glycine 131 with aspartic acid.
Molecular consequence: missense variant.
Genome position (GRCh38, 1-based): chr17:5,582,726, C>T on the plus strand (G>A on the coding strand, the complement: NLRP1 is on the minus strand). VCF-style: chr17-5582726-C-T. GRCh37 (hg19) VCF-style: chr17-5486046-C-T.
Other names: c.392G>A, p.Gly131Asp (NM_001033053.3, NM_014922.5, NM_033006.4 and 1 more transcripts); short protein forms G131D.
Identifiers: ClinVar variation 2705670 (VCV002705670.3), dbSNP rs2508130751, ClinGen allele CA397390074.
Genomic context (GRCh38, chr17:5,582,726, plus strand): 5'-TCACCTCTCCAGCGGCGTCCAGATGTGTCAGGCAGCTGTCTCAAAACCCTTCTCTCTGAG[C>T]CCTGGGTGCACCCCGCCGGCAATTCATGGATCCAGGGCATTAGCACTGCGGTGGAGGTGG-3'
Protein context (NP_127497.1, residues 121-141): IHELPAGCTQ[Gly131Asp]SERRVLRQLP

ClinVar aggregate classification (germline): Uncertain significance (1 of 4 stars; one submission).

Submission:

Labcorp Genetics (formerly Invitae), Labcorp
Classification: Uncertain significance. Last evaluated: 2023-12-26. Review status: criteria provided, single submitter. Criteria: Invitae Variant Classification Sherloc (09022015). Collection method: clinical testing. Allele origin: germline.
Comment: This sequence change replaces glycine, which is neutral and non-polar, with aspartic acid, which is acidic and polar, at codon 131 of the NLRP1 protein (p.Gly131Asp). This variant is not present in population databases (gnomAD no frequency). This variant has not been reported in the literature in individuals affected with NLRP1-related conditions. Algorithms developed to predict the effect of missense changes on protein structure and function output the following: SIFT: "Not Available"; PolyPhen-2: "Benign"; Align-GVGD: "Not Available". The aspartic acid amino acid residue is found in multiple mammalian species, which suggests that this missense change does not adversely affect protein function. In summary, the available evidence is currently insufficient to determine the role of this variant in disease. Therefore, it has been classified as a Variant of Uncertain Significance.